The following is an entry in ClinVar:

ClinVar aggregate classification (germline): Conflicting classifications of pathogenicity. Review status: criteria provided, conflicting classifications (1 of 4 stars). 4 submissions from 4 submitters: Likely pathogenic (1); Uncertain significance (3). Last evaluated 2025-09-13.

Conditions:
Inborn genetic diseases. Identifiers: MedGen C0950123, MeSH D030342.
TSPEAR-related disorder. Also called: TSPEAR-related condition.

Allele frequency attached by ClinVar (database versions not stated): ExAC 0.00002; gnomAD exomes 0.00005 and 0.00019; gnomAD 0.00007 and 0.00008; TOPMed 0.00009.
gnomAD v4.1: 274 of 1,613,998 alleles (0.017%); highest among the groups gnomAD compares: Non-Finnish European, 0.022%; no homozygotes.

Submissions (4):

GeneDx
Classification: Likely pathogenic. Last evaluated: 2025-09-13. Review status: criteria provided, single submitter. Criteria: GeneDx Variant Classification Process June 2021. Collection method: clinical testing. Allele origin: germline. Affected: yes.
Comment: In silico analysis supports that this missense variant has a deleterious effect on protein structure/function; Has not been previously published as pathogenic or benign to our knowledge

PreventionGenetics, part of Exact Sciences
Classification: Uncertain significance for TSPEAR-related condition. Last evaluated: 2025-02-21. Review status: criteria provided, single submitter. Criteria: ACMG Guidelines, 2015. Collection method: clinical testing. Allele origin: germline.
Comment: The TSPEAR c.1247A>C variant is predicted to result in the amino acid substitution p.Tyr416Ser. To our knowledge, this variant has not been reported in the literature. This variant is reported in 0.014% of alleles in individuals of Latino descent in gnomAD. At this time, the clinical significance of this variant is uncertain due to the absence of conclusive functional and genetic evidence.

Labcorp Genetics (formerly Invitae), Labcorp
Classification: Uncertain significance. Last evaluated: 2023-05-02. Review status: criteria provided, single submitter. Criteria: Invitae Variant Classification Sherloc (09022015). Collection method: clinical testing. Allele origin: germline.
Comment: In summary, the available evidence is currently insufficient to determine the role of this variant in disease. Therefore, it has been classified as a Variant of Uncertain Significance. Advanced modeling of protein sequence and biophysical properties (such as structural, functional, and spatial information, amino acid conservation, physicochemical variation, residue mobility, and thermodynamic stability) has been performed at Invitae for this missense variant, however the output from this modeling did not meet the statistical confidence thresholds required to predict the impact of this variant on TSPEAR protein function. ClinVar contains an entry for this variant (Variation ID: 1329723). This missense change has been observed in individual(s) with ectodermal dysplasia (Invitae). In at least one individual the data is consistent with being in trans (on the opposite chromosome) from a pathogenic variant. It has also been observed to segregate with disease in related individuals. This variant is present in population databases (rs781913166, gnomAD 0.01%). This sequence change replaces tyrosine, which is neutral and polar, with serine, which is neutral and polar, at codon 416 of the TSPEAR protein (p.Tyr416Ser).

Ambry Genetics
Classification: Uncertain significance for Inborn genetic diseases. Last evaluated: 2021-09-16. Review status: criteria provided, single submitter. Criteria: Ambry Variant Classification Scheme 2023. Collection method: clinical testing. Allele origin: germline.

NM_144991.3(TSPEAR):c.1247A>C (p.Tyr416Ser)

Gene: TSPEAR (thrombospondin type laminin G domain and EAR repeats; minus strand). Cytogenetic location: 21q22.3.
Variant type: single nucleotide variant.
Coding change: c.1247A>C on transcript NM_144991.3 (MANE Select); coding-DNA position 1247, A replaced by C.
Protein change: p.Tyr416Ser; replaces tyrosine 416 with serine.
Molecular consequence: missense variant.
Genome position (GRCh38, 1-based): chr21:44,525,742, T>G on the plus strand (A>C on the coding strand, the complement: TSPEAR is on the minus strand). VCF-style: chr21-44525742-T-G. GRCh37 (hg19) VCF-style: chr21-45945625-T-G.
Other names: c.1043A>C, p.Tyr348Ser (NM_001272037.2); short protein forms Y348S, Y416S.
Identifiers: ClinVar variation 1329723 (VCV001329723.8), dbSNP rs781913166, ClinGen allele CA10056662.
Genomic context (GRCh38, chr21:44,525,742, plus strand): 5'-TGCTCCCCATCCACCTCGAAGGCCTCCCAGTCTCGGGCGCTGTGTGTGGCAATGCTCTGA[T>G]ATGGGGTAAACTTCAGCTTTCTGTGGCTCCATTTGTAAATGACAGAGAACTCCTGACCCT-3'
Protein context (NP_659428.2, residues 406-426): WSHRKLKFTP[Tyr416Ser]QSIATHSARD